The following is an entry in ClinVar:

NM_000083.3(CLCN1):c.1727C>G (p.Ser576Cys)

Gene: CLCN1 (chloride voltage-gated channel 1; plus strand). Cytogenetic location: 7q34.
Variant type: single nucleotide variant.
Coding change: c.1727C>G on transcript NM_000083.3 (MANE Select); coding-DNA position 1727, C replaced by G.
Protein change: p.Ser576Cys; replaces serine 576 with cysteine.
Molecular consequence: missense variant. On other transcripts: non-coding transcript variant (1).
Genome position (GRCh38, 1-based): chr7:143,342,073, C>G. VCF-style: chr7-143342073-C-G. GRCh37 (hg19) VCF-style: chr7-143039166-C-G.
Other names: short protein forms S576C.
Identifiers: ClinVar variation 2169816 (VCV002169816.4), dbSNP rs143825889, ClinGen allele CA168221722.
Genomic context (GRCh38, chr7:143,342,073, plus strand): 5'-TCCTGCCCATGATGGTGGCTGTTATCTTGGCCAACATGGTGGCCCAGAGCCTGCAGCCCT[C>G]TCTCTATGACAGCATCATCCAGGTCAAGAAGCTACCCTACTTGCCTGACCTTGGCTGGAA-3'
Protein context (NP_000074.3, residues 566-586): ANMVAQSLQP[Ser576Cys]LYDSIIQVKK

ClinVar aggregate classification (germline): Uncertain significance. Review status: criteria provided, multiple submitters, no conflicts (2 of 4 stars). 2 submissions from 2 submitters: Uncertain significance (2). Last evaluated 2022-03-17.

Conditions:
Congenital myotonia, autosomal dominant form (THD). Also called: THOMSEN DISEASE; Myotonia congenita autosomal dominant. Identifiers: Orphanet 614, MedGen C2936781, MONDO:0008055, OMIM 160800.
Congenital myotonia, autosomal recessive form. Also called: BECKER DISEASE; myotonia congenita, autosomal recessive; Becker Generalized Myotonia. Identifiers: Orphanet 614, MedGen C0751360, MONDO:0009715, OMIM 255700.

Allele frequency attached by ClinVar (database versions not stated): gnomAD exomes below 0.00001; gnomAD 0.00001; TOPMed 0.00001; ESP Exome Variant Server 0.00008.
gnomAD v4.1: 8 of 1,614,090 alleles (0.0005%); highest among the groups gnomAD compares: African/African-American, 0.0013%; no homozygotes.

Submissions (2):

Labcorp Genetics (formerly Invitae), Labcorp
Classification: Uncertain significance for Congenital myotonia, autosomal recessive form; Congenital myotonia, autosomal dominant form. Last evaluated: 2022-03-17. Review status: criteria provided, single submitter. Criteria: Invitae Variant Classification Sherloc (09022015). Collection method: clinical testing. Allele origin: germline.
Comment: This sequence change replaces serine, which is neutral and polar, with cysteine, which is neutral and slightly polar, at codon 576 of the CLCN1 protein (p.Ser576Cys). This variant is not present in population databases (gnomAD no frequency). This variant has not been reported in the literature in individuals affected with CLCN1-related conditions. Advanced modeling of protein sequence and biophysical properties (such as structural, functional, and spatial information, amino acid conservation, physicochemical variation, residue mobility, and thermodynamic stability) performed at Invitae indicates that this missense variant is expected to disrupt CLCN1 protein function. In summary, the available evidence is currently insufficient to determine the role of this variant in disease. Therefore, it has been classified as a Variant of Uncertain Significance.

Revvity Omics, Revvity
Classification: Uncertain significance. Last evaluated: 2020-12-10. Review status: criteria provided, single submitter. Criteria: ACMG Guidelines, 2015. Collection method: clinical testing. Allele origin: germline.